The following is an entry in ClinVar:

NM_001849.4(COL6A2):c.913T>C (p.Phe305Leu)

Gene: COL6A2 (collagen type VI alpha 2 chain; plus strand). Cytogenetic location: 21q22.3.
Variant type: single nucleotide variant.
Coding change: c.913T>C on transcript NM_001849.4 (MANE Select); coding-DNA position 913, T replaced by C.
Protein change: p.Phe305Leu; replaces phenylalanine 305 with leucine.
Molecular consequence: missense variant.
Genome position (GRCh38, 1-based): chr21:46,116,389, T>C. VCF-style: chr21-46116389-T-C. GRCh37 (hg19) VCF-style: chr21-47536303-T-C.
Other names: c.913T>C, p.Phe305Leu (NM_058174.3, NM_058175.3); short protein forms F305L.
Identifiers: ClinVar variation 1415799 (VCV001415799.6), dbSNP rs1472672400, ClinGen allele CA410525642.

ClinVar aggregate classification (germline): Uncertain significance (1 of 4 stars; one submission).

Conditions:
Bethlem myopathy 1A. Also called: MYOPATHY, BENIGN CONGENITAL, WITH CONTRACTURES; Bethlem Muscular Dystrophy; Bethlem myopathy 1. Identifiers: Orphanet 610, MedGen CN029274, MONDO:0024530, OMIM 158810.

Allele frequency attached by ClinVar (database versions not stated): gnomAD exomes below 0.00001; TOPMed 0.00002.
gnomAD v4.1: 2 of 1,612,878 alleles (0.00012%); highest among the groups gnomAD compares: African/African-American, 0.0027%; no homozygotes.

Submission:

Labcorp Genetics (formerly Invitae), Labcorp
Classification: Uncertain significance for Bethlem myopathy 1A. Last evaluated: 2025-10-01. Review status: criteria provided, single submitter. Criteria: Invitae Variant Classification Sherloc (09022015). Collection method: clinical testing. Allele origin: germline.
Comment: This sequence change replaces phenylalanine, which is neutral and non-polar, with leucine, which is neutral and non-polar, at codon 305 of the COL6A2 protein (p.Phe305Leu). This variant is not present in population databases (gnomAD no frequency). This variant has not been reported in the literature in individuals affected with COL6A2-related conditions. ClinVar contains an entry for this variant (Variation ID: 1415799). Invitae Evidence Modeling of protein sequence and biophysical properties (such as structural, functional, and spatial information, amino acid conservation, physicochemical variation, residue mobility, and thermodynamic stability) indicates that this missense variant is not expected to disrupt COL6A2 protein function with a negative predictive value of 80%. In summary, the available evidence is currently insufficient to determine the role of this variant in disease. Therefore, it has been classified as a Variant of Uncertain Significance.